The following is an entry in ClinVar:

NM_006245.4(PPP2R5D):c.1672-5C>A

Genes: MEA1 (male-enhanced antigen 1; minus strand), PPP2R5D (protein phosphatase 2 regulatory subunit B'delta; plus strand). Cytogenetic location: 6p21.1.
Variant type: single nucleotide variant.
Coding change: c.1672-5C>A on transcript NM_006245.4 (MANE Select); 5 bases into the intron before coding-DNA position 1672, C replaced by A.
Molecular consequence: intron variant. On other transcripts: 3 prime UTR variant (1).
Genome position (GRCh38, 1-based): chr6:43,011,144, C>A. VCF-style: chr6-43011144-C-A. GRCh37 (hg19) VCF-style: chr6-42978882-C-A.
Other names: c.*1326G>T (NM_014623.4); c.1219-5C>A (NM_001270476.2); c.1576-5C>A (NM_180976.3); c.1354-5C>A (NM_180977.3).
Identifiers: ClinVar variation 2181600 (VCV002181600.6), dbSNP rs2532492988, ClinGen allele CA2580074597.

ClinVar aggregate classification (germline): Likely benign. Review status: criteria provided, single submitter (1 of 4 stars). 2 submissions from 2 submitters: Likely benign (1). 1 of the submissions does not count toward it. Last evaluated 2024-11-03.

Conditions:
PPP2R5D-related disorder. Also called: PPP2R5D-related condition.

Allele frequency attached by ClinVar (database versions not stated): gnomAD exomes below 0.00001.
gnomAD v4.1: 1 of 1,614,150 alleles (0.000062%); highest among the groups gnomAD compares: Non-Finnish European, 0.000085%; no homozygotes.

Submissions (2):

Labcorp Genetics (formerly Invitae), Labcorp
Classification: Likely benign. Last evaluated: 2024-11-03. Review status: criteria provided, single submitter. Criteria: Invitae Variant Classification Sherloc (09022015). Collection method: clinical testing. Allele origin: germline.

PreventionGenetics, part of Exact Sciences
Classification: Likely benign for PPP2R5D-related condition. Last evaluated: 2020-05-11. Review status: no assertion criteria provided. Collection method: clinical testing. Allele origin: germline. Not counted in ClinVar's aggregate classification.
Comment: This variant is classified as likely benign based on ACMG/AMP sequence variant interpretation guidelines (Richards et al. 2015 PMID: 25741868, with internal and published modifications).